The following is an entry in ClinVar:

NM_000329.3(RPE65):c.497T>C (p.Val166Ala)

Gene: RPE65 (retinoid isomerohydrolase RPE65; minus strand). Cytogenetic location: 1p31.3.
Variant type: single nucleotide variant.
Coding change: c.497T>C on transcript NM_000329.3 (MANE Select); coding-DNA position 497, T replaced by C.
Protein change: p.Val166Ala; replaces valine 166 with alanine.
Molecular consequence: missense variant.
Genome position (GRCh38, 1-based): chr1:68,440,999, A>G on the plus strand (T>C on the coding strand, the complement: RPE65 is on the minus strand). VCF-style: chr1-68440999-A-G. GRCh37 (hg19) VCF-style: chr1-68906682-A-G.
Other names: short protein forms V166A.
Identifiers: ClinVar variation 1499257 (VCV001499257.5), dbSNP rs2100821973, ClinGen allele CA340747231.

ClinVar aggregate classification (germline): Uncertain significance (1 of 4 stars; one submission).

Conditions:
Leber congenital amaurosis 2 (LCA2). Also called: Autosomal Recessive RPE65-Related Retinal Degeneration; AMAUROSIS CONGENITA OF LEBER II. Identifiers: Orphanet 65, MedGen C1859844, MONDO:0008765, OMIM 204100. Disease mechanism: loss of function.
Retinitis pigmentosa 20 (RP20). Identifiers: Orphanet 791, MedGen C3151086, MONDO:0013425, OMIM 613794.

Submission:

Labcorp Genetics (formerly Invitae), Labcorp
Classification: Uncertain significance for Leber congenital amaurosis 2; Retinitis pigmentosa 20. Last evaluated: 2021-09-01. Review status: criteria provided, single submitter. Criteria: Invitae Variant Classification Sherloc (09022015). Collection method: clinical testing. Allele origin: germline.
Comment: This sequence change replaces valine with alanine at codon 166 of the RPE65 protein (p.Val166Ala). The valine residue is highly conserved and there is a small physicochemical difference between valine and alanine. This variant is not present in population databases (ExAC no frequency). This variant has not been reported in the literature in individuals affected with RPE65-related conditions. Algorithms developed to predict the effect of missense changes on protein structure and function are either unavailable or do not agree on the potential impact of this missense change (SIFT: "Tolerated"; PolyPhen-2: "Probably Damaging"; Align-GVGD: "Class C0"). In summary, the available evidence is currently insufficient to determine the role of this variant in disease. Therefore, it has been classified as a Variant of Uncertain Significance.